The following is an entry in ClinVar:

ClinVar aggregate classification (germline): Uncertain significance (1 of 4 stars; one submission).

Conditions:
Spastic paraplegia. Identifiers: MedGen C0037772, HP:0001258.

Allele frequency attached by ClinVar (database versions not stated): gnomAD exomes 0.00001.
gnomAD v4.1: 11 of 1,613,900 alleles (0.00068%); highest among the groups gnomAD compares: Non-Finnish European, 0.00068%; no homozygotes.

Submission:

Labcorp Genetics (formerly Invitae), Labcorp
Classification: Uncertain significance for Spastic paraplegia. Last evaluated: 2022-10-17. Review status: criteria provided, single submitter. Criteria: Invitae Variant Classification Sherloc (09022015). Collection method: clinical testing. Allele origin: germline.
Comment: In summary, the available evidence is currently insufficient to determine the role of this variant in disease. Therefore, it has been classified as a Variant of Uncertain Significance. Algorithms developed to predict the effect of missense changes on protein structure and function are either unavailable or do not agree on the potential impact of this missense change (SIFT: "Deleterious"; PolyPhen-2: "Benign"; Align-GVGD: "Class C25"). This variant has not been reported in the literature in individuals affected with VAMP1-related conditions. The frequency data for this variant in the population databases is considered unreliable, as metrics indicate poor data quality at this position in the gnomAD database. This sequence change replaces isoleucine, which is neutral and non-polar, with threonine, which is neutral and polar, at codon 104 of the VAMP1 protein (p.Ile104Thr).

NM_014231.5(VAMP1):c.311T>C (p.Ile104Thr)

Genes: TAPBPL (TAP binding protein like; plus strand), VAMP1 (vesicle associated membrane protein 1; minus strand). Cytogenetic location: 12p13.31.
Variant type: single nucleotide variant.
Coding change: c.311T>C on transcript NM_014231.5 (MANE Select); coding-DNA position 311, T replaced by C.
Protein change: p.Ile104Thr; replaces isoleucine 104 with threonine.
Molecular consequence: missense variant. On other transcripts: non-coding transcript variant (1).
Genome position (GRCh38, 1-based): chr12:6,464,919, A>G on the plus strand (T>C on the coding strand, the complement: VAMP1 is on the minus strand). VCF-style: chr12-6464919-A-G. GRCh37 (hg19) VCF-style: chr12-6574085-A-G.
Other names: c.311T>C, p.Ile104Thr (NM_001297438.2, NM_016830.4, NM_199245.3); short protein forms I104T.
Identifiers: ClinVar variation 1984925 (VCV001984925.4), dbSNP rs1469664316, ClinGen allele CA383558724.
Genomic context (GRCh38, chr12:6,464,919, plus strand): 5'-TCACCCCACCAGCAACTTCAGCGATACTTACTTACAATAACTACCACGATGATGGCACAG[A>G]TGGCTCCCAGCATGATCATCATCTGAGGAAACATGGACAAAAAATGAGCCCTTGGATTTC-3'
Protein context (NP_055046.1, residues 94-114): NCKMMIMLGA[Ile104Thr]CAIIVVVIVI